The following is an entry in ClinVar:

ClinVar aggregate classification (germline): Uncertain significance (1 of 4 stars; one submission).

Submission:

GeneDx
Classification: Uncertain significance. Last evaluated: 2023-03-22. Review status: criteria provided, single submitter. Criteria: GeneDx Variant Classification Process June 2021. Collection method: clinical testing. Allele origin: germline. Affected: yes.
Comment: Not observed at significant frequency in large population cohorts (gnomAD); In silico analysis supports that this missense variant does not alter protein structure/function; Has not been previously published as pathogenic or benign to our knowledge

NM_006734.4(HIVEP2):c.1874A>C (p.Glu625Ala)

Gene: HIVEP2 (HIVEP zinc finger 2; minus strand). Cytogenetic location: 6q24.2.
Variant type: single nucleotide variant.
Coding change: c.1874A>C on transcript NM_006734.4 (MANE Select); coding-DNA position 1874, A replaced by C.
Protein change: p.Glu625Ala; replaces glutamic acid 625 with alanine.
Molecular consequence: missense variant.
Genome position (GRCh38, 1-based): chr6:142,772,865, T>G on the plus strand (A>C on the coding strand, the complement: HIVEP2 is on the minus strand). VCF-style: chr6-142772865-T-G. GRCh37 (hg19) VCF-style: chr6-143094002-T-G.
Other names: short protein forms E625A.
Identifiers: ClinVar variation 2580520 (VCV002580520.1), dbSNP rs2482844614, ClinGen allele CA365911912.
Genomic context (GRCh38, chr6:142,772,865, plus strand): 5'-TAGGGTTTCCGACAGACATCATAGTCATACCCAACCCTGTCCCCAGGAGACAATTTCTTT[T>G]CCTTCAGGGATGAACTGCTGATACCCTTCAACATCCTGCCATGGTGCTCGACTTCCACGT-3'
Protein context (NP_006725.3, residues 615-635): LKGISSSSLK[Glu625Ala]KKLSPGDRVG